The following is an entry in ClinVar:

NM_004655.4(AXIN2):c.1404CCA[5] (p.His474del)

Gene: AXIN2 (axin 2; minus strand). Cytogenetic location: 17q24.1.
Variant type: Microsatellite.
Coding change: c.1404CCA[5] on transcript NM_004655.4 (MANE Select); five copies in a row of the 3-base unit CCA starting at c.1404; the reference has six copies in a row; one copy, 3 bases deleted; also written c.1419_1421del.
Protein change: p.His474del; deletes histidine 474.
Molecular consequence: inframe deletion.
Genome position (GRCh38, 1-based): chr17:65,537,615-65,537,617, TGG deleted on the plus strand (CCA on the coding strand, the reverse complement: AXIN2 is on the minus strand); deleting any 3 consecutive bases within chr17:65,537,615-65,537,633 gives the same sequence; the position shown is the placement nearest the transcript's 3' end. VCF-style (leftmost placement, unchanged base first): chr17-65537614-ATGG-A. GRCh37 (hg19) VCF-style: chr17-63533732-ATGG-A.
Other names: c.1419_1421del (NM_004655.3); c.1419_1421delCCA (NM_004655.4); c.1404CCA[5], p.His474del (NM_001363813.1); short protein forms H474del.
Identifiers: ClinVar variation 464546 (VCV000464546.25), dbSNP rs570443161, ClinGen allele CA8718648.

ClinVar aggregate classification (germline): Conflicting classifications of pathogenicity. Review status: criteria provided, conflicting classifications (1 of 4 stars). 8 submissions from 8 submitters: Uncertain significance (2); Benign (1); Likely benign (2). 3 of the submissions do not count toward it. Last evaluated 2025-11-11.

Conditions:
Hereditary cancer-predisposing syndrome. Also called: Neoplastic Syndromes, Hereditary; Tumor predisposition; Hereditary Cancer Syndrome; Hereditary neoplastic syndrome. Identifiers: Orphanet 140162, MedGen C0027672, MeSH D009386, MONDO:0015356.
Oligodontia-cancer predisposition syndrome. Also called: TOOTH AGENESIS-COLORECTAL CANCER SYNDROME. Identifiers: Orphanet 300576, MedGen C1837750, MONDO:0012075, OMIM 608615. Disease mechanism: loss of function.
AXIN2-related disorder.
Hereditary cancer. Identifiers: MedGen C1333600.

Submissions (8):

Labcorp Genetics (formerly Invitae), Labcorp
Classification: Likely benign for Oligodontia-cancer predisposition syndrome. Last evaluated: 2025-11-11. Review status: criteria provided, single submitter. Criteria: Invitae Variant Classification Sherloc (09022015). Collection method: clinical testing. Allele origin: germline.

Center for Genomic Medicine, Rigshospitalet, Copenhagen University Hospital
Classification: Uncertain significance. Last evaluated: 2025-03-04. Review status: criteria provided, single submitter. Criteria: ACMG Guidelines, 2015. Collection method: clinical testing. Allele origin: germline.

Mendelics
Classification: Likely benign for Hereditary cancer. Last evaluated: 2025-02-26. Review status: criteria provided, single submitter. Criteria: ACMG Guidelines, 2015. Collection method: clinical testing. Allele origin: unknown.
Comment: This variant is considered likely benign or benign based on one or more of the following: it is predicted to be benign by multiple in silico algorithms, and/or has population frequency not consistent with disease, and/or has normal protein function, and/or has lack of segregation with disease, and/or has been detected in co-occurrence with known pathogenic variant, and/or has lack of disease association in case-control studies, and/or is located in a region inconsistent with a known cause of pathogenicity.

Ambry Genetics
Classification: Benign for Hereditary cancer-predisposing syndrome. Last evaluated: 2022-11-04. Review status: criteria provided, single submitter. Criteria: Ambry Variant Classification Scheme 2023. Collection method: clinical testing. Allele origin: germline.

GeneDx
Classification: Uncertain significance. Last evaluated: 2022-08-29. Review status: criteria provided, single submitter. Criteria: GeneDx Variant Classification Process June 2021. Collection method: clinical testing. Allele origin: germline. Affected: yes.
Comment: Not observed at significant frequency in large population cohorts (gnomAD); In-frame deletion of 1 amino acid in a repeat region; In silico analysis supports that this variant does not alter protein structure/function; This variant is associated with the following publications: (PMID: 29642553, 15735151)

PreventionGenetics, part of Exact Sciences
Classification: Likely benign for AXIN2-related condition. Last evaluated: 2020-06-19. Review status: no assertion criteria provided. Collection method: clinical testing. Allele origin: germline. Not counted in ClinVar's aggregate classification.
Comment: This variant is classified as likely benign based on ACMG/AMP sequence variant interpretation guidelines (Richards et al. 2015 PMID: 25741868, with internal and published modifications).

Clinical Genetics, Academic Medical Center
Classification: Likely benign. Review status: no assertion criteria provided. Collection method: clinical testing. Allele origin: germline. Affected: yes. Study: VKGL Data-share Consensus. Not counted in ClinVar's aggregate classification.

Genome Diagnostics Laboratory, Amsterdam University Medical Center
Classification: Likely benign. Review status: no assertion criteria provided. Collection method: clinical testing. Allele origin: germline. Affected: yes. Study: VKGL Data-share Consensus. Not counted in ClinVar's aggregate classification.